The following is an entry in ClinVar:

NC_000017.11:g.36934029_37729547inv

Genes: AATF (apoptosis antagonizing transcription factor; plus strand), ACACA (acetyl-CoA carboxylase alpha; minus strand), C17orf78 (chromosome 17 open reading frame 78; plus strand), DDX52 (DExD-box helicase 52; minus strand), DUSP14 (dual specificity phosphatase 14; plus strand) and 16 more. Cytogenetic location: 17q12.
Variant type: Inversion.
Identifiers: ClinVar variation 4086266 (VCV004086266.1).

ClinVar aggregate classification (germline): Likely pathogenic (1 of 4 stars; one submission).

Conditions:
Renal cysts and diabetes syndrome (RCAD). Also called: Familial hypoplastic, glomerulocystic kidney; MATURITY-ONSET DIABETES OF THE YOUNG, TYPE 5. Identifiers: Orphanet 93111, MedGen C0431693, MONDO:0007669, OMIM 137920.

Submission:

Pediatric Department, Wenzhou Medical University
Classification: Likely pathogenic for Renal cysts and diabetes syndrome. Last evaluated: 2025-06-07. Review status: criteria provided, single submitter. Criteria: ACMG Guidelines, 2015. Collection method: clinical testing. Allele origin: de novo. Inheritance: Sporadic. Affected: yes. Observed: 1 variant allele, 1 homozygote.
Comment: This variant has been classified as Likely Pathogenic based on the application of the ACMG. The following evidence codes were applied: PS2 (Confirmed de novo occurrence in the proband, with established maternity and paternity), PM2 (Absent from or at very low frequency in population databases such as gnomAD), and PP4 (The patient's phenotype is highly specific and consistent with the known disease spectrum associated with this gene).

Literature cited by the submitters: PubMed 33737325; PubMed 12874457; PubMed 26160100; PubMed 16221171.